The following is an entry in ClinVar:

NM_001853.4(COL9A3):c.1487G>A (p.Gly496Asp)

Genes: COL9A3 (collagen type IX alpha 3 chain; plus strand), LOC126863084 (MED14-independent group 3 enhancer GRCh37_chr20:61467141-61468340; plus strand). Cytogenetic location: 20q13.33.
Variant type: single nucleotide variant.
Coding change: c.1487G>A on transcript NM_001853.4 (MANE Select); coding-DNA position 1487, G replaced by A.
Protein change: p.Gly496Asp; replaces glycine 496 with aspartic acid.
Molecular consequence: missense variant.
Genome position (GRCh38, 1-based): chr20:62,836,272, G>A. VCF-style: chr20-62836272-G-A. GRCh37 (hg19) VCF-style: chr20-61467624-G-A.
Other names: short protein forms G496D.
Identifiers: ClinVar variation 3637728 (VCV003637728.2).

ClinVar aggregate classification (germline): Uncertain significance (1 of 4 stars; one submission).

Submission:

Labcorp Genetics (formerly Invitae), Labcorp
Classification: Uncertain significance. Last evaluated: 2024-10-25. Review status: criteria provided, single submitter. Criteria: Invitae Variant Classification Sherloc (09022015). Collection method: clinical testing. Allele origin: germline.
Comment: This sequence change replaces glycine, which is neutral and non-polar, with aspartic acid, which is acidic and polar, at codon 496 of the COL9A3 protein (p.Gly496Asp). This variant is not present in population databases (gnomAD no frequency). This variant has not been reported in the literature in individuals affected with COL9A3-related conditions. Invitae Evidence Modeling of protein sequence and biophysical properties (such as structural, functional, and spatial information, amino acid conservation, physicochemical variation, residue mobility, and thermodynamic stability) indicates that this missense variant is expected to disrupt COL9A3 protein function with a positive predictive value of 95%. In summary, the available evidence is currently insufficient to determine the role of this variant in disease. Therefore, it has been classified as a Variant of Uncertain Significance.